The following is an entry in ClinVar:

NM_001130144.3(LTBP3):c.1999C>A (p.Pro667Thr)

Gene: LTBP3 (latent transforming growth factor beta binding protein 3; minus strand). Cytogenetic location: 11q13.1.
Variant type: single nucleotide variant.
Coding change: c.1999C>A on transcript NM_001130144.3 (MANE Select); coding-DNA position 1999, C replaced by A.
Protein change: p.Pro667Thr; replaces proline 667 with threonine.
Molecular consequence: missense variant.
Genome position (GRCh38, 1-based): chr11:65,547,547, G>T on the plus strand (C>A on the coding strand, the complement: LTBP3 is on the minus strand). VCF-style: chr11-65547547-G-T. GRCh37 (hg19) VCF-style: chr11-65315018-G-T.
Other names: c.1648C>A, p.Pro550Thr (NM_001164266.1); c.1999C>A, p.Pro667Thr (NM_021070.4); short protein forms P667T, P550T.
Identifiers: ClinVar variation 2967087 (VCV002967087.3), dbSNP rs780613881, ClinGen allele CA6100765.
Genomic context (GRCh38, chr11:65,547,547, plus strand): 5'-AGTTGCACTTGTAGTGACCGGGAAAGTTGATGCAGAAGCCGCCGTCGCCGCACAGGTGGG[G>T]CTTGGCGCATTCGTTCAGGTCTGTGCGGGAGGAAGGGGCCACGAAGGGGGTGTAGGAGGC-3'
Protein context (NP_001123616.1, residues 657-677): SCVDLNECAK[Pro667Thr]HLCGDGGFCI

ClinVar aggregate classification (germline): Uncertain significance (1 of 4 stars; one submission).

Conditions:
Brachyolmia-amelogenesis imperfecta syndrome. Also called: Tooth agenesis, selective, 6; Dental anomalies and short stature; PLATYSPONDYLY WITH AMELOGENESIS IMPERFECTA. Identifiers: Orphanet 2899, MedGen C1832594, MONDO:0011018, OMIM 601216. Disease mechanism: loss of function.

Submission:

Labcorp Genetics (formerly Invitae), Labcorp
Classification: Uncertain significance for Brachyolmia-amelogenesis imperfecta syndrome. Last evaluated: 2024-10-29. Review status: criteria provided, single submitter. Criteria: Invitae Variant Classification Sherloc (09022015). Collection method: clinical testing. Allele origin: germline.
Comment: This sequence change replaces proline, which is neutral and non-polar, with threonine, which is neutral and polar, at codon 667 of the LTBP3 protein (p.Pro667Thr). This variant is present in population databases (rs780613881, gnomAD 0.003%). This variant has not been reported in the literature in individuals affected with LTBP3-related conditions. An algorithm developed to predict the effect of missense changes on protein structure and function (PolyPhen-2) suggests that this variant is likely to be tolerated. In summary, the available evidence is currently insufficient to determine the role of this variant in disease. Therefore, it has been classified as a Variant of Uncertain Significance.